The following is an entry in ClinVar:

NM_016356.5(DCDC2):c.690G>A (p.Met230Ile)

Gene: DCDC2 (doublecortin domain containing 2; minus strand). Cytogenetic location: 6p22.3.
Variant type: single nucleotide variant.
Coding change: c.690G>A on transcript NM_016356.5 (MANE Select); coding-DNA position 690, G replaced by A.
Protein change: p.Met230Ile; replaces methionine 230 with isoleucine.
Molecular consequence: missense variant.
Genome position (GRCh38, 1-based): chr6:24,290,946, C>T on the plus strand (G>A on the coding strand, the complement: DCDC2 is on the minus strand). VCF-style: chr6-24290946-C-T. GRCh37 (hg19) VCF-style: chr6-24291174-C-T.
Other names: c.690G>A, p.Met230Ile (NM_001195610.2); short protein forms M230I.
Identifiers: ClinVar variation 1973303 (VCV001973303.5), dbSNP rs1201436251, ClinGen allele CA363280160.

ClinVar aggregate classification (germline): Uncertain significance (1 of 4 stars; one submission).

Conditions:
Autosomal recessive nonsyndromic hearing loss 66 (DFNB66). Also called: Deafness, autosomal recessive 66. Identifiers: Orphanet 90636, MedGen C1857750, MONDO:0012442, OMIM 610212.
Isolated neonatal sclerosing cholangitis (NSC). Also called: Sclerosing cholangitis, neonatal. Identifiers: Orphanet 480556, MedGen C4479344, MONDO:0018816, OMIM 617394.

Allele frequency attached by ClinVar (database versions not stated): gnomAD exomes below 0.00001.
gnomAD v4.1: 3 of 1,613,636 alleles (0.00019%); highest among the groups gnomAD compares: South Asian, 0.0011%; no homozygotes.

Submission:

Labcorp Genetics (formerly Invitae), Labcorp
Classification: Uncertain significance for Autosomal recessive nonsyndromic hearing loss 66; Isolated neonatal sclerosing cholangitis. Last evaluated: 2022-08-09. Review status: criteria provided, single submitter. Criteria: Invitae Variant Classification Sherloc (09022015). Collection method: clinical testing. Allele origin: germline.
Comment: Algorithms developed to predict the effect of missense changes on protein structure and function output the following: SIFT: "Tolerated"; PolyPhen-2: "Benign"; Align-GVGD: "Class C0". The isoleucine amino acid residue is found in multiple mammalian species, which suggests that this missense change does not adversely affect protein function. In summary, the available evidence is currently insufficient to determine the role of this variant in disease. Therefore, it has been classified as a Variant of Uncertain Significance. This variant has not been reported in the literature in individuals affected with DCDC2-related conditions. This variant is present in population databases (no rsID available, gnomAD 0.007%). This sequence change replaces methionine, which is neutral and non-polar, with isoleucine, which is neutral and non-polar, at codon 230 of the DCDC2 protein (p.Met230Ile).